The following is an entry in ClinVar:

NM_000380.4(XPA):c.674-2A>G

Gene: XPA (XPA, DNA damage recognition and repair factor; minus strand). Cytogenetic location: 9q22.33.
Variant type: single nucleotide variant.
Coding change: c.674-2A>G on transcript NM_000380.4 (MANE Select); the canonical splice acceptor site of the intron before coding-DNA position 674, A replaced by G.
Molecular consequence: splice acceptor variant.
Genome position (GRCh38, 1-based): chr9:97,675,589, T>C on the plus strand (A>G on the coding strand, the complement: XPA is on the minus strand). VCF-style: chr9-97675589-T-C. GRCh37 (hg19) VCF-style: chr9-100437871-T-C.
Other names: c.548-2A>G (NM_001354975.2).
Identifiers: ClinVar variation 2501071 (VCV002501071.2), dbSNP rs1384309620, ClinGen allele CA374185574.

ClinVar aggregate classification (germline): Conflicting classifications of pathogenicity. Review status: criteria provided, conflicting classifications (1 of 4 stars). 3 submissions from 3 submitters: Likely pathogenic (2); Uncertain significance (1). Last evaluated 2024-03-27.

Conditions:
Xeroderma pigmentosum group A (XPA). Also called: XPA-Related Xeroderma Pigmentosum; Xeroderma pigmentosum, complementation group A; XP, group A. Identifiers: Orphanet 910, MedGen C0268135, MONDO:0010210, OMIM 278700.

Allele frequency attached by ClinVar (database versions not stated): gnomAD exomes below 0.00001; TOPMed 0.00001.
gnomAD v4.1: 3 of 1,613,886 alleles (0.00019%); highest among the groups gnomAD compares: Non-Finnish European, 0.00017%; no homozygotes.

Submissions (3):

Baylor Genetics
Classification: Likely pathogenic for Xeroderma pigmentosum group A. Last evaluated: 2024-03-27. Review status: criteria provided, single submitter. Criteria: ACMG Guidelines, 2015. Collection method: clinical testing. Allele origin: unknown.

Laboratory of Medical Genetics, National & Kapodistrian University of Athens
Classification: Likely pathogenic for Xeroderma pigmentosum group A. Last evaluated: 2024-02-01. Review status: criteria provided, single submitter. Criteria: ACMG Guidelines, 2015. Collection method: curation. Allele origin: germline. Affected: no.

Women's Health and Genetics/Laboratory Corporation of America, LabCorp
Classification: Uncertain significance. Last evaluated: 2023-03-29. Review status: criteria provided, single submitter. Criteria: LabCorp Variant Classification Summary - May 2015. Collection method: clinical testing. Allele origin: germline.
Comment: Variant summary: XPA c.674-2A>G is located in a canonical splice-site of the last intron and is predicted to affect mRNA splicing resulting in a significantly altered protein due to either exon skipping, shortening, or inclusion of intronic material. One in silico prediction tool scores the variant as possibly pathogenic. However, these predictions have yet to be confirmed by functional studies.The variant allele was found at a frequency of 4e-06 in 250920 control chromosomes. The available data on variant occurrences in the general population are insufficient to allow any conclusion about variant significance. To our knowledge, no occurrence of c.674-2A>G or other splice site variants at this location in individuals affected with Xeroderma Pigmentosum and no experimental evidence demonstrating its impact on protein function have been reported. No clinical diagnostic laboratories have submitted clinical-significance assessments for this variant to ClinVar after 2014. Based on the evidence outlined above, the variant was classified as VUS.